The following is an entry in ClinVar:

NM_000271.5(NPC1):c.2161G>A (p.Asp721Asn)

Gene: NPC1 (NPC intracellular cholesterol transporter 1; minus strand). Cytogenetic location: 18q11.2.
Variant type: single nucleotide variant.
Coding change: c.2161G>A on transcript NM_000271.5 (MANE Select); coding-DNA position 2161, G replaced by A.
Protein change: p.Asp721Asn; replaces aspartic acid 721 with asparagine.
Molecular consequence: missense variant.
Genome position (GRCh38, 1-based): chr18:23,543,539, C>T on the plus strand (G>A on the coding strand, the complement: NPC1 is on the minus strand). VCF-style: chr18-23543539-C-T. GRCh37 (hg19) VCF-style: chr18-21123503-C-T.
Other names: short protein forms D721N.
Identifiers: ClinVar variation 2421150 (VCV002421150.2), dbSNP rs749547942, ClinGen allele CA8913191.

ClinVar aggregate classification (germline): Uncertain significance (1 of 4 stars; one submission).

Conditions:
Niemann-Pick disease, type C1. Also called: NIEMANN-PICK DISEASE, VARIANT TYPE C1; NEUROVISCERAL STORAGE DISEASE WITH VERTICAL SUPRANUCLEAR OPHTHALMOPLEGIA; NIEMANN-PICK DISEASE WITH CHOLESTEROL ESTERIFICATION BLOCK; NIEMANN-PICK DISEASE WITHOUT SPHINGOMYELINASE DEFICIENCY; NIEMANN-PICK DISEASE, CHRONIC NEURONOPATHIC FORM. Identifiers: Orphanet 646, MedGen C3179455, MONDO:0009757, OMIM 257220.

Allele frequency attached by ClinVar (database versions not stated): ExAC 0.00001; gnomAD exomes 0.00001; gnomAD 0.00004.
gnomAD v4.1: 18 of 1,605,374 alleles (0.0011%); no homozygotes.

Submission:

Labcorp Genetics (formerly Invitae), Labcorp
Classification: Uncertain significance for Niemann-Pick disease, type C1. Last evaluated: 2022-07-06. Review status: criteria provided, single submitter. Criteria: Invitae Variant Classification Sherloc (09022015). Collection method: clinical testing. Allele origin: germline.
Comment: This sequence change replaces aspartic acid, which is acidic and polar, with asparagine, which is neutral and polar, at codon 721 of the NPC1 protein (p.Asp721Asn). This variant is present in population databases (rs749547942, gnomAD 0.02%). This variant has not been reported in the literature in individuals affected with NPC1-related conditions. Algorithms developed to predict the effect of missense changes on protein structure and function (SIFT, PolyPhen-2, Align-GVGD) all suggest that this variant is likely to be tolerated. In summary, the available evidence is currently insufficient to determine the role of this variant in disease. Therefore, it has been classified as a Variant of Uncertain Significance.